The following is an entry in ClinVar:

ClinVar aggregate classification (germline): Pathogenic (1 of 4 stars; one submission).

Submission:

Labcorp Genetics (formerly Invitae), Labcorp
Classification: Pathogenic. Last evaluated: 2022-09-01. Review status: criteria provided, single submitter. Criteria: Invitae Variant Classification Sherloc (09022015). Collection method: clinical testing. Allele origin: germline.
Comment: This variant results in the deletion of part of exon 1 (c.19_1357-780delinsCATTTG) of the KCNV2 gene. While this variant is not anticipated to result in nonsense mediated decay, it likely alters RNA splicing and results in a disrupted protein product. For these reasons, this variant has been classified as Pathogenic. This variant disrupts a region of the KCNV2 protein in which other variant(s) (p.Trp188Arg) have been determined to be pathogenic (PMID: 28041643, 28341476, 32154435; Invitae). This suggests that this is a clinically significant region of the protein, and that variants that disrupt it are likely to be disease-causing. Variants that disrupt the consensus splice site are a relatively common cause of aberrant splicing (PMID: 17576681, 9536098). This variant is also known as c.19_1356+9571delinsCATTTG. This variant has been observed in individuals with cone dystrophy with supernormal rod response (PMID: 21882291).

Literature cited by the submitters: PubMed 28041643; PubMed 28341476; PubMed 32154435; PubMed 17576681; PubMed 9536098; PubMed 21882291.

NC_000009.11:g.(?_2717755)_(2728666_?)del

Gene: KCNV2 (potassium voltage-gated channel modifier subfamily V member 2; plus strand). Cytogenetic location: 9p24.2.
Variant type: Deletion.
Identifiers: ClinVar variation 2427218 (VCV002427218.4).